The following is an entry in ClinVar:

ClinVar aggregate classification (germline): Uncertain significance (1 of 4 stars; one submission).

Conditions:
Werner syndrome (WRN). Identifiers: Orphanet 902, MedGen C0043119, MONDO:0010196, OMIM 277700.

Allele frequency attached by ClinVar (database versions not stated): gnomAD exomes below 0.00001 and 0.00001; TOPMed 0.00001.
gnomAD v4.1: 6 of 1,614,058 alleles (0.00037%); highest among the groups gnomAD compares: Admixed American, 0.005%; no homozygotes.

Submission:

Labcorp Genetics (formerly Invitae), Labcorp
Classification: Uncertain significance for Werner syndrome. Last evaluated: 2025-04-30. Review status: criteria provided, single submitter. Criteria: Invitae Variant Classification Sherloc (09022015). Collection method: clinical testing. Allele origin: germline.
Comment: This sequence change replaces proline, which is neutral and non-polar, with serine, which is neutral and polar, at codon 723 of the WRN protein (p.Pro723Ser). This variant is present in population databases (no rsID available, gnomAD 0.009%). This variant has not been reported in the literature in individuals affected with WRN-related conditions. ClinVar contains an entry for this variant (Variation ID: 1354815). An algorithm developed to predict the effect of missense changes on protein structure and function (PolyPhen-2) suggests that this variant is likely to be disruptive. In summary, the available evidence is currently insufficient to determine the role of this variant in disease. Therefore, it has been classified as a Variant of Uncertain Significance.

NM_000553.6(WRN):c.2167C>T (p.Pro723Ser)

Gene: WRN (WRN RecQ like helicase; plus strand). Cytogenetic location: 8p12.
Variant type: single nucleotide variant.
Coding change: c.2167C>T on transcript NM_000553.6 (MANE Select); coding-DNA position 2167, C replaced by T.
Protein change: p.Pro723Ser; replaces proline 723 with serine.
Molecular consequence: missense variant.
Genome position (GRCh38, 1-based): chr8:31,111,693, C>T. VCF-style: chr8-31111693-C-T. GRCh37 (hg19) VCF-style: chr8-30969209-C-T.
Other names: short protein forms P723S.
Identifiers: ClinVar variation 1354815 (VCV001354815.6), dbSNP rs1241449748, ClinGen allele CA370912658.
Genomic context (GRCh38, chr8:31,111,693, plus strand): 5'-ACTGCTACTGCAAGTTCTTCAATCCGGGAAGACATTGTACGTTGCTTAAATCTGAGAAAT[C>T]CTCAGATCACCTGTACTGGTTTTGATCGACCAAACCTGTATTTAGAAGTTAGGCGAAAAA-3'
Protein context (NP_000544.2, residues 713-733): DIVRCLNLRN[Pro723Ser]QITCTGFDRP